The following is an entry in ClinVar:

NM_002473.6(MYH9):c.2907C>T (p.Thr969=)

Genes: MYH9 (myosin heavy chain 9; minus strand), LOC126863137 (CDK7 strongly-dependent group 2 enhancer GRCh37_chr22:36696002-36697201; plus strand). Cytogenetic location: 22q12.3.
Variant type: single nucleotide variant.
Coding change: c.2907C>T on transcript NM_002473.6 (MANE Select); coding-DNA position 2907, C replaced by T.
Protein change: p.Thr969=; no amino-acid change (threonine 969 retained).
Molecular consequence: synonymous variant.
Genome position (GRCh38, 1-based): chr22:36,300,196, G>A on the plus strand (C>T on the coding strand, the complement: MYH9 is on the minus strand). VCF-style: chr22-36300196-G-A. GRCh37 (hg19) VCF-style: chr22-36696242-G-A.
Other names: c.2907C>T (NM_002473.5).
Identifiers: ClinVar variation 501396 (VCV000501396.12), dbSNP rs767461889, ClinGen allele CA10209820.

ClinVar aggregate classification (germline): Conflicting classifications of pathogenicity. Review status: criteria provided, conflicting classifications (1 of 4 stars). 3 submissions from 3 submitters: Uncertain significance (1); Likely benign (1). 1 of the submissions does not count toward it. Last evaluated 2022-11-10.

Conditions:
MYH9-related disorder. Identifiers: MedGen C1854520.

Allele frequency attached by ClinVar (database versions not stated): TOPMed 0.00005; gnomAD 0.00006.
gnomAD v4.1: 30 of 1,613,348 alleles (0.0019%); highest among the groups gnomAD compares: African/African-American, 0.024%; no homozygotes.

Submissions (3):

Labcorp Genetics (formerly Invitae), Labcorp
Classification: Likely benign. Last evaluated: 2022-11-10. Review status: criteria provided, single submitter. Criteria: Invitae Variant Classification Sherloc (09022015). Collection method: clinical testing. Allele origin: germline.

Eurofins Ntd Llc (ga)
Classification: Uncertain significance. Last evaluated: 2017-04-28. Review status: criteria provided, single submitter. Criteria: EGL Classification Definitions 2015. Collection method: clinical testing. Allele origin: germline. Observed: 1 variant allele, 1 heterozygote.

PreventionGenetics, part of Exact Sciences
Classification: Likely benign for MYH9-related condition. Last evaluated: 2022-07-28. Review status: no assertion criteria provided. Collection method: clinical testing. Allele origin: germline. Not counted in ClinVar's aggregate classification.
Comment: This variant is classified as likely benign based on ACMG/AMP sequence variant interpretation guidelines (Richards et al. 2015 PMID: 25741868, with internal and published modifications).